The following is an entry in ClinVar:

ClinVar aggregate classification (germline): Uncertain significance. Review status: criteria provided, multiple submitters, no conflicts (2 of 4 stars). 5 submissions from 5 submitters: Uncertain significance (5). Last evaluated 2026-01-31.

Conditions:
Tuberous sclerosis 2 (TSC2). Identifiers: Orphanet 805, MedGen C1860707, MONDO:0013199, OMIM 613254.
Lymphangiomyomatosis (LAM). Also called: Lymphangioleiomyomatosis; Lymphangioleiomyomatosis, somatic. Identifiers: Orphanet 538, MedGen C0751674, MONDO:0011705, OMIM 606690.
Isolated focal cortical dysplasia type II (FCORD2). Also called: CORTICAL DYSPLASIA OF TAYLOR; Focal cortical dysplasia type II. Identifiers: Orphanet 268994, MedGen C1846385, MONDO:0011818, OMIM 607341, HP:0032051.
Hereditary cancer-predisposing syndrome. Also called: Hereditary Cancer Syndrome; Hereditary neoplastic syndrome; Neoplastic Syndromes, Hereditary; Tumor predisposition. Identifiers: Orphanet 140162, MedGen C0027672, MeSH D009386, MONDO:0015356.

Submissions (5):

Labcorp Genetics (formerly Invitae), Labcorp
Classification: Uncertain significance for Tuberous sclerosis 2. Last evaluated: 2026-01-31. Review status: criteria provided, single submitter. Criteria: Invitae Variant Classification Sherloc (09022015). Collection method: clinical testing. Allele origin: germline.
Comment: This variant, c.2417_2419dup, results in the insertion of 1 amino acid(s) of the TSC2 protein (p.Val806dup), but otherwise preserves the integrity of the reading frame. This variant is present in population databases (no rsID available, gnomAD 0.01%). This variant has not been reported in the literature in individuals affected with TSC2-related conditions. ClinVar contains an entry for this variant (Variation ID: 1338673). Experimental studies and prediction algorithms are not available or were not evaluated, and the functional significance of this variant is currently unknown. In summary, the available evidence is currently insufficient to determine the role of this variant in disease. Therefore, it has been classified as a Variant of Uncertain Significance.

GeneDx
Classification: Uncertain significance. Last evaluated: 2024-08-11. Review status: criteria provided, single submitter. Criteria: GeneDx Variant Classification Process June 2021. Collection method: clinical testing. Allele origin: germline. Affected: yes.
Comment: In-frame duplication of 1 amino acid in a non-repeat region; Has not been previously published as pathogenic or benign to our knowledge

Ambry Genetics
Classification: Uncertain significance for Hereditary cancer-predisposing syndrome. Last evaluated: 2024-03-26. Review status: criteria provided, single submitter. Criteria: Ambry Variant Classification Scheme 2023. Collection method: clinical testing. Allele origin: germline.
Comment: The c.2417_2419dupTGG variant (also known as p.V806dup), located in coding exon 21 of the TSC2 gene, results from an in-frame duplication of TGG at nucleotide positions 2417 to 2419. This results in the duplication of an extra residue between codons 806 and 807. This amino acid position is well conserved in available vertebrate species. In addition, this alteration is predicted to be deleterious by in silico analysis (Choi Y et al. PLoS ONE. 2012; 7(10):e46688). Since supporting evidence is limited at this time, the clinical significance of this alteration remains unclear.

Genetic Services Laboratory, University of Chicago
Classification: Uncertain significance. Last evaluated: 2021-11-24. Review status: criteria provided, single submitter. Criteria: ACMG Guidelines, 2015. Collection method: clinical testing. Allele origin: germline. Affected: no.

Fulgent Genetics
Classification: Uncertain significance for Lymphangiomyomatosis; Isolated focal cortical dysplasia type II; Tuberous sclerosis 2. Last evaluated: 2021-07-22. Review status: criteria provided, single submitter. Criteria: ACMG Guidelines, 2015. Collection method: clinical testing. Allele origin: unknown.

NM_000548.5(TSC2):c.2417_2419dup (p.Val806dup)

Gene: TSC2 (TSC complex subunit 2; plus strand). Cytogenetic location: 16p13.3.
Variant type: Duplication.
Coding change: c.2417_2419dup on transcript NM_000548.5 (MANE Select); coding-DNA positions 2417 to 2419, 3 bases duplicated (TGG; older notation c.2417_2419dupTGG).
Protein change: p.Val806dup; duplicates valine 806.
Molecular consequence: inframe insertion.
Genome position (GRCh38, 1-based): chr16:2,074,261-2,074,263, TGG duplicated; duplicating any 3 consecutive bases within chr16:2,074,260-2,074,263 gives the same sequence; the c. name uses the placement nearest the transcript's 3' end. VCF-style (leftmost placement, unchanged base first): chr16-2074259-C-CGTG. GRCh37 (hg19) VCF-style: chr16-2124260-C-CGTG.
Other names: c.2417_2419dup, p.Val806dup (NM_001077183.3, NM_001114382.3, NM_001363528.2 and 3 more transcripts); c.2306_2308dup, p.Val769dup (NM_001318827.2); c.2270_2272dup, p.Val757dup (NM_001318829.2); c.1817_1819dup, p.Val606dup (NM_001318831.2); c.2450_2452dup, p.Val817dup (NM_001318832.2); c.2417_2419dup (NM_000548.3); c.2417_2419dupTGG (NM_000548.3).
Identifiers: ClinVar variation 1338673 (VCV001338673.13), dbSNP rs1298756950, ClinGen allele CA620706080.